The following is an entry in ClinVar:

NM_000075.4(CDK4):c.314A>G (p.Asp105Gly)

Gene: CDK4 (cyclin dependent kinase 4; minus strand). Cytogenetic location: 12q14.1.
Variant type: single nucleotide variant.
Coding change: c.314A>G on transcript NM_000075.4 (MANE Select); coding-DNA position 314, A replaced by G.
Protein change: p.Asp105Gly; replaces aspartic acid 105 with glycine.
Molecular consequence: missense variant.
Genome position (GRCh38, 1-based): chr12:57,751,247, T>C on the plus strand (A>G on the coding strand, the complement: CDK4 is on the minus strand). VCF-style: chr12-57751247-T-C. GRCh37 (hg19) VCF-style: chr12-58145030-T-C.
Other names: short protein forms D105G.
Identifiers: ClinVar variation 2855407 (VCV002855407.3), dbSNP rs2540902346, ClinGen allele CA385547735.
Genomic context (GRCh38, chr12:57,751,247, plus strand): 5'-TGCCTACCAACCCCACTCACCTTGATCGTTTCGGCTGGCAAGCCTGGTGGGGGTGCCTTG[T>C]CCAGATATGTCCTTAGGTCCTGGTCTACATGCTCAAACACCAGGGTTACCTTGATCTCCC-3'
Protein context (NP_000066.1, residues 95-115): HVDQDLRTYL[Asp105Gly]KAPPPGLPAE

ClinVar aggregate classification (germline): Uncertain significance (1 of 4 stars; one submission).

Conditions:
Familial melanoma. Also called: Hereditary melanoma; Hereditary cutaneous melanoma. Identifiers: Orphanet 618, MedGen C1512419, MONDO:0018961.

Submission:

Labcorp Genetics (formerly Invitae), Labcorp
Classification: Uncertain significance for Familial melanoma. Last evaluated: 2023-04-12. Review status: criteria provided, single submitter. Criteria: Invitae Variant Classification Sherloc (09022015). Collection method: clinical testing. Allele origin: germline.
Comment: Advanced modeling of protein sequence and biophysical properties (such as structural, functional, and spatial information, amino acid conservation, physicochemical variation, residue mobility, and thermodynamic stability) performed at Invitae indicates that this missense variant is not expected to disrupt CDK4 protein function. In summary, the available evidence is currently insufficient to determine the role of this variant in disease. Therefore, it has been classified as a Variant of Uncertain Significance. This variant has not been reported in the literature in individuals affected with CDK4-related conditions. This variant is not present in population databases (gnomAD no frequency). This sequence change replaces aspartic acid, which is acidic and polar, with glycine, which is neutral and non-polar, at codon 105 of the CDK4 protein (p.Asp105Gly).